The following is an entry in ClinVar:

ClinVar aggregate classification (germline): Benign. Review status: criteria provided, single submitter (1 of 4 stars). 2 submissions from 2 submitters: Benign (1). 1 of the submissions does not count toward it. Last evaluated 2026-02-02.

Conditions:
COL4A1-related disorder. Also called: COL4A1-related condition; COL4A1-related disorders. Identifiers: MedGen CN376119, MONDO:0800461.

Allele frequency attached by ClinVar (database versions not stated): TOPMed 0.00002; gnomAD 0.00007; gnomAD exomes 0.00017 and 0.00042; 1000 Genomes Project 0.00020; 1000 Genomes Project 30x 0.00031; ExAC 0.00043.
gnomAD v4.1: 259 of 1,614,110 alleles (0.016%); highest among the groups gnomAD compares: South Asian, 0.27%; 2 homozygotes.

Submissions (3):

Labcorp Genetics (formerly Invitae), Labcorp
Classification: Benign. Last evaluated: 2026-02-02. Review status: criteria provided, single submitter. Criteria: Invitae Variant Classification Sherloc (09022015). Collection method: clinical testing. Allele origin: germline.

PreventionGenetics, part of Exact Sciences
Classification: Likely benign for COL4A1-related condition. Last evaluated: 2021-10-19. Review status: no assertion criteria provided. Collection method: clinical testing. Allele origin: germline. Not counted in ClinVar's aggregate classification.
Comment: This variant is classified as likely benign based on ACMG/AMP sequence variant interpretation guidelines (Richards et al. 2015 PMID: 25741868, with internal and published modifications).

Dr. Peter K. Rogan Lab, Western University
No classification provided (evidence only). Condition: Thyroid cancer, nonmedullary, 1. Review status: no classification provided. Collection method: in vitro. Allele origin: not applicable. Functional consequence: retained intron. Not counted in ClinVar's aggregate classification.

NM_001845.6(COL4A1):c.1534C>T (p.Pro512Ser)

Gene: COL4A1 (collagen type IV alpha 1 chain; minus strand). Cytogenetic location: 13q34.
Variant type: single nucleotide variant.
Coding change: c.1534C>T on transcript NM_001845.6 (MANE Select); coding-DNA position 1534, C replaced by T.
Protein change: p.Pro512Ser; replaces proline 512 with serine.
Molecular consequence: missense variant.
Genome position (GRCh38, 1-based): chr13:110,192,216, G>A on the plus strand (C>T on the coding strand, the complement: COL4A1 is on the minus strand). VCF-style: chr13-110192216-G-A. GRCh37 (hg19) VCF-style: chr13-110844563-G-A.
Other names: c.1534C>T (NM_001845.5); c.1534C>T, p.Pro512Ser (NM_001303110.2); short protein forms P512S.
Identifiers: ClinVar variation 1664212 (VCV001664212.11), dbSNP rs578161281, ClinGen allele CA7047900.